The following is an entry in ClinVar:

NM_080916.3(DGUOK):c.256-14del

Gene: DGUOK (deoxyguanosine kinase; plus strand). Cytogenetic location: 2p13.1.
Variant type: Deletion.
Coding change: c.256-14del on transcript NM_080916.3 (MANE Select); 14 bases into the intron before coding-DNA position 256, one base deleted (T; older notation c.256-14delT).
Molecular consequence: intron variant.
Genome position (GRCh38, 1-based): chr2:73,946,705, T deleted; the last of 7 consecutive T bases (chr2:73,946,699-73,946,705); deleting any one gives the same sequence. VCF-style (leftmost placement, unchanged base first): chr2-73946698-CT-C. GRCh37 (hg19) VCF-style: chr2-74173825-CT-C.
Other names: c.-36-14del (NM_001318861.2, NM_001318862.2, NM_001318860.2 and 1 more transcripts); c.256-14del (NM_080918.3, NM_001318859.2); c.256-14delT (NM_080916.1).
Identifiers: ClinVar variation 507132 (VCV000507132.5), dbSNP rs1259926103, ClinGen allele CA646844411.

ClinVar aggregate classification (germline): Benign/Likely benign. Review status: criteria provided, multiple submitters, no conflicts (2 of 4 stars). 2 submissions from 2 submitters: Benign (1); Likely benign (1). Last evaluated 2023-09-28.

Submissions (2):

Labcorp Genetics (formerly Invitae), Labcorp
Classification: Benign. Last evaluated: 2023-09-28. Review status: criteria provided, single submitter. Criteria: Invitae Variant Classification Sherloc (09022015). Collection method: clinical testing. Allele origin: germline.

GeneDx
Classification: Likely benign. Last evaluated: 2017-02-08. Review status: criteria provided, single submitter. Criteria: GeneDx Variant Classification (06012015). Collection method: clinical testing. Allele origin: germline. Affected: yes.
Comment: This variant is considered likely benign or benign based on one or more of the following criteria: it is a conservative change, it occurs at a poorly conserved position in the protein, it is predicted to be benign by multiple in silico algorithms, and/or has population frequency not consistent with disease.